The following is an entry in ClinVar:

NM_004836.7(EIF2AK3):c.439-20A>G

Gene: EIF2AK3 (eukaryotic translation initiation factor 2 alpha kinase 3; minus strand). Cytogenetic location: 2p11.2.
Variant type: single nucleotide variant.
Coding change: c.439-20A>G on transcript NM_004836.7 (MANE Select); 20 bases into the intron before coding-DNA position 439, A replaced by G.
Molecular consequence: intron variant.
Genome position (GRCh38, 1-based): chr2:88,595,683, T>C on the plus strand (A>G on the coding strand, the complement: EIF2AK3 is on the minus strand). VCF-style: chr2-88595683-T-C. GRCh37 (hg19) VCF-style: chr2-88895201-T-C.
Other names: c.-15-20A>G (NM_001313915.2).
Identifiers: ClinVar variation 2128485 (VCV002128485.4), dbSNP rs2529183206, ClinGen allele CA2580068298.

ClinVar aggregate classification (germline): Uncertain significance (1 of 4 stars; one submission).

Allele frequency attached by ClinVar (database versions not stated): gnomAD exomes below 0.00001.
gnomAD v4.1: 2 of 1,602,394 alleles (0.00012%); highest among the groups gnomAD compares: Non-Finnish European, 0.00017%; no homozygotes.

Submission:

Labcorp Genetics (formerly Invitae), Labcorp
Classification: Uncertain significance. Last evaluated: 2022-04-20. Review status: criteria provided, single submitter. Criteria: Invitae Variant Classification Sherloc (09022015). Collection method: clinical testing. Allele origin: germline.
Comment: In summary, the available evidence is currently insufficient to determine the role of this variant in disease. Therefore, it has been classified as a Variant of Uncertain Significance. Algorithms developed to predict the effect of sequence changes on RNA splicing suggest that this variant may disrupt the consensus splice site. This variant has not been reported in the literature in individuals affected with EIF2AK3-related conditions. This variant is not present in population databases (gnomAD no frequency). This sequence change falls in intron 2 of the EIF2AK3 gene. It does not directly change the encoded amino acid sequence of the EIF2AK3 protein.